The following is an entry in ClinVar:

ClinVar aggregate classification (germline): Pathogenic (1 of 4 stars; one submission).

Conditions:
Polycystic kidney disease 4 (PKD4). Also called: POLYCYSTIC KIDNEY AND HEPATIC DISEASE 1; POLYCYSTIC KIDNEY DISEASE, INFANTILE, TYPE I; POLYCYSTIC KIDNEY DISEASE 4 WITH OR WITHOUT POLYCYSTIC LIVER DISEASE; PKD3; Autosomal Recessive Polycystic Kidney Disease – PKHD1. Identifiers: MedGen C4540575, MONDO:0033004, OMIM 263200.

Submission:

Myriad Genetics, Inc.
Classification: Pathogenic for Polycystic kidney disease 4. Last evaluated: 2024-04-04. Review status: criteria provided, single submitter. Criteria: Myriad Autosomal Dominant, Autosomal Recessive and X-Linked Classification Criteria (2023). Collection method: clinical testing. Allele origin: unknown.
Comment: NM_138694.3(PKHD1):c.1021del1ins9(L341Tfs*6) is expected to be pathogenic in the context of autosomal recessive polycystic kidney disease, PKHD1-related. This variant is predicted to lead to an abnormal or absent protein product due to the creation of a premature termination codon in PKHD1, a gene where loss-of-function variants are known to be pathogenic. Please note: this variant was assessed in the context of healthy population screening.

NM_138694.4(PKHD1):c.1021delinsACAGTCAGT (p.Leu341fs)

Gene: PKHD1 (PKHD1 ciliary IPT domain containing fibrocystin/polyductin; minus strand). Cytogenetic location: 6p12.2.
Variant type: Indel.
Coding change: c.1021delinsACAGTCAGT on transcript NM_138694.4 (MANE Select); coding-DNA position 1021, C replaced by ACAGTCAGT.
Protein change: p.Leu341fs; shifts the reading frame from leucine 341.
Molecular consequence: frameshift variant.
Genome position (GRCh38, 1-based): chr6:52,062,616, G replaced by ACTGACTGT on the plus strand (C replaced by ACAGTCAGT on the coding strand, the reverse complement: PKHD1 is on the minus strand). VCF-style: chr6-52062616-G-ACTGACTGT. GRCh37 (hg19) VCF-style: chr6-51927414-G-ACTGACTGT.
Other names: c.1021delinsACAGTCAGT, p.Leu341fs (NM_170724.3); short protein forms L341fs.
Identifiers: ClinVar variation 5012894 (VCV005012894.1).
Genomic context (GRCh38, chr6:52,062,616, plus strand): 5'-GAGAACTGGCATTAGGGACAATCTGCCACCTGTACCCTGGGGTGGCTTCAGTCAGTTCCA[G>ACTGACTGT]TCCCTCAACAGCATCTCCAACTTCAAAAAGAAGCCCTCGATTGCCTGTAAGACATGTAGA-3'